The following is an entry in ClinVar:

NM_018975.4(TERF2IP):c.390C>T (p.His130=)

Gene: TERF2IP (TERF2 interacting protein; plus strand). Cytogenetic location: 16q23.1.
Variant type: single nucleotide variant.
Coding change: c.390C>T on transcript NM_018975.4 (MANE Select); coding-DNA position 390, C replaced by T.
Protein change: p.His130=; no amino-acid change (histidine 130 retained).
Molecular consequence: synonymous variant. On other transcripts: non-coding transcript variant (1).
Genome position (GRCh38, 1-based): chr16:75,648,272, C>T. VCF-style: chr16-75648272-C-T. GRCh37 (hg19) VCF-style: chr16-75682170-C-T.
Identifiers: ClinVar variation 1736096 (VCV001736096.5), dbSNP rs1370982110, ClinGen allele CA496695853.

ClinVar aggregate classification (germline): Likely benign. Review status: criteria provided, multiple submitters, no conflicts (2 of 4 stars). 3 submissions from 3 submitters: Likely benign (3). Last evaluated 2026-06-01.

Allele frequency attached by ClinVar (database versions not stated): gnomAD exomes below 0.00001.
gnomAD v4.1: 1 of 1,549,280 alleles (0.000065%); highest among the groups gnomAD compares: Non-Finnish European, 0.000087%; no homozygotes.

Submissions (3):

CeGaT Center for Human Genetics Tuebingen
Classification: Likely benign. Last evaluated: 2026-06-01. Review status: criteria provided, single submitter. Criteria: CeGaT Center For Human Genetics Tuebingen Variant Classification Criteria Version 2. Collection method: clinical testing. Allele origin: germline. Affected: yes. Observed: 1 variant allele.
Comment: TERF2IP: BP4, BP7

Labcorp Genetics (formerly Invitae), Labcorp
Classification: Likely benign. Last evaluated: 2025-08-30. Review status: criteria provided, single submitter. Criteria: Invitae Variant Classification Sherloc (09022015). Collection method: clinical testing. Allele origin: germline.

Ambry Genetics
Classification: Likely benign. Last evaluated: 2019-10-04. Review status: criteria provided, single submitter. Criteria: Ambry Variant Classification Scheme 2023. Collection method: clinical testing. Allele origin: germline.